The following is an entry in ClinVar:

NM_015865.7(SLC14A1):c.510del (p.Lys170fs)

Gene: SLC14A1 (solute carrier family 14 member 1 (Kidd blood group); plus strand). Cytogenetic location: 18q12.3.
Variant type: Deletion.
Coding change: c.510del on transcript NM_015865.7 (MANE Select); coding-DNA position 510, one base deleted (A; older notation c.510delA).
Protein change: p.Lys170fs; shifts the reading frame from lysine 170.
Molecular consequence: frameshift variant.
Genome position (GRCh38, 1-based): chr18:45,736,495, A deleted; the last of 3 consecutive A bases (chr18:45,736,493-45,736,495); deleting any one gives the same sequence. VCF-style (leftmost placement, unchanged base first): chr18-45736492-CA-C. GRCh37 (hg19) VCF-style: chr18-43316457-CA-C.
Other names: c.510delA (NM_015865.7); c.678del, p.Lys226fs (NM_001128588.4, NM_001146037.1); c.510del, p.Lys170fs (NM_001146036.3); c.195del, p.Lys65fs (NM_001308278.2); c.114del, p.Lys38fs (NM_001308279.2); short protein forms K170fs, K226fs, K38fs, K65fs.
Identifiers: ClinVar variation 1676273 (VCV001676273.2), dbSNP rs751692991, ClinGen allele CA8947404.

ClinVar aggregate classification (germline): Uncertain significance (0 of 4 stars; one submission).

Conditions:
BLOOD GROUP, KIDD SYSTEM (JK). Identifiers: MedGen C0022645, OMIM 111000.

Submission:

Australian Red Cross Blood Service
Classification: Uncertain significance for BLOOD GROUP, KIDD SYSTEM. Review status: no assertion criteria provided. Collection method: research. Allele origin: inherited. Inheritance: Codominant.
Comment: serology was JK:-3 (supported by UREA lysis test resistance). The additional presence of c.510delA at a heterozygous level supports that c.510delA also causes JK:-3 phenotype.